The following is an entry in ClinVar:

ClinVar aggregate classification (germline): Uncertain significance. Review status: criteria provided, single submitter (1 of 4 stars). 2 submissions from 2 submitters: Uncertain significance (1). 1 of the submissions does not count toward it. Last evaluated 2025-06-04.

Conditions:
Galactosylceramide beta-galactosidase deficiency. Also called: Leukodystrophy, Globoid Cell; Krabbe Disease; GALACTOCEREBROSIDASE DEFICIENCY; GALC DEFICIENCY; GLOBOID CELL LEUKOENCEPHALOPATHY. Identifiers: Orphanet 487, MedGen C0023521, MONDO:0009499, OMIM 245200.

Allele frequency attached by ClinVar (database versions not stated): gnomAD 0.00001; gnomAD exomes 0.00001; TOPMed 0.00001; ExAC 0.00003; 1000 Genomes Project 30x 0.00016; 1000 Genomes Project 0.00020.
gnomAD v4.1: 18 of 1,596,426 alleles (0.0011%); highest among the groups gnomAD compares: Non-Finnish European, 0.0014%; no homozygotes.

Submissions (2):

Labcorp Genetics (formerly Invitae), Labcorp
Classification: Uncertain significance for Galactosylceramide beta-galactosidase deficiency. Last evaluated: 2025-06-04. Review status: criteria provided, single submitter. Criteria: Invitae Variant Classification Sherloc (09022015). Collection method: clinical testing. Allele origin: germline.
Comment: This sequence change replaces isoleucine, which is neutral and non-polar, with threonine, which is neutral and polar, at codon 395 of the GALC protein (p.Ile395Thr). This variant is present in population databases (rs569569879, gnomAD 0.002%). This variant has not been reported in the literature in individuals affected with GALC-related conditions. ClinVar contains an entry for this variant (Variation ID: 972396). Invitae Evidence Modeling of protein sequence and biophysical properties (such as structural, functional, and spatial information, amino acid conservation, physicochemical variation, residue mobility, and thermodynamic stability) has been performed for this missense variant. However, the output from this modeling did not meet the statistical confidence thresholds required to predict the impact of this variant on GALC protein function. In summary, the available evidence is currently insufficient to determine the role of this variant in disease. Therefore, it has been classified as a Variant of Uncertain Significance.

Natera, Inc.
Classification: Uncertain significance for Galactosylceramide beta-galactosidase deficiency. Last evaluated: 2021-04-21. Review status: no assertion criteria provided. Collection method: clinical testing. Allele origin: germline. Not counted in ClinVar's aggregate classification.

NM_000153.4(GALC):c.1184T>C (p.Ile395Thr)

Gene: GALC (galactosylceramidase; minus strand). Cytogenetic location: 14q31.3.
Variant type: single nucleotide variant.
Coding change: c.1184T>C on transcript NM_000153.4 (MANE Select); coding-DNA position 1184, T replaced by C.
Protein change: p.Ile395Thr; replaces isoleucine 395 with threonine.
Molecular consequence: missense variant.
Genome position (GRCh38, 1-based): chr14:87,950,726, A>G on the plus strand (T>C on the coding strand, the complement: GALC is on the minus strand). VCF-style: chr14-87950726-A-G. GRCh37 (hg19) VCF-style: chr14-88417070-A-G.
Other names: c.1115T>C, p.Ile372Thr (NM_001201401.2); c.1106T>C, p.Ile369Thr (NM_001201402.2); short protein forms I369T, I372T, I395T.
Identifiers: ClinVar variation 972396 (VCV000972396.9), dbSNP rs569569879, ClinGen allele CA7297102.